The following is an entry in ClinVar:

NM_020937.4(FANCM):c.1827_1828dup (p.Lys610fs)

Gene: FANCM (FA complementation group M; plus strand). Cytogenetic location: 14q21.2.
Variant type: Microsatellite.
Coding change: c.1827_1828dup on transcript NM_020937.4 (MANE Select); coding-DNA positions 1827 to 1828, 2 bases duplicated (TA; older notation c.1827_1828dupTA).
Protein change: p.Lys610fs; shifts the reading frame from lysine 610.
Molecular consequence: frameshift variant.
Genome position (GRCh38, 1-based): chr14:45,166,988-45,166,989, TA duplicated; duplicating any 2 consecutive bases within chr14:45,166,982-45,166,989 gives the same sequence; the c. name uses the placement nearest the transcript's 3' end. VCF-style (leftmost placement, unchanged base first): chr14-45166981-G-GTA. GRCh37 (hg19) VCF-style: chr14-45636184-G-GTA.
Other names: c.1749_1750dup, p.Lys584fs (NM_001308133.2); c.1827_1828dup, p.Lys610fs (NM_001308134.2); short protein forms K610fs, K584fs.
Identifiers: ClinVar variation 963823 (VCV000963823.7), dbSNP rs1888023074, ClinGen allele CA2133614442.

ClinVar aggregate classification (germline): Pathogenic (1 of 4 stars; one submission).

Conditions:
Fanconi anemia (FA). Also called: Fanconi's anemia. Identifiers: Orphanet 84, MedGen C0015625, MeSH D005199, MONDO:0019391.

Submission:

Labcorp Genetics (formerly Invitae), Labcorp
Classification: Pathogenic for Fanconi anemia. Last evaluated: 2019-11-04. Review status: criteria provided, single submitter. Criteria: Invitae Variant Classification Sherloc (09022015). Collection method: clinical testing. Allele origin: germline.
Comment: For these reasons, this variant has been classified as Pathogenic. Loss-of-function variants in FANCM are known to be pathogenic (PMID: 29895858, 30075111). This sequence change creates a premature translational stop signal (p.Lys610Ilefs*61) in the FANCM gene. It is expected to result in an absent or disrupted protein product. This variant is not present in population databases (ExAC no frequency). This variant has not been reported in the literature in individuals with FANCM-related conditions.

Literature cited by the submitters: PubMed 29895858; PubMed 30075111.